The following is an entry in ClinVar:

NM_001040108.2(MLH3):c.2563G>A (p.Glu855Lys)

Gene: MLH3 (mutL homolog 3; minus strand). Cytogenetic location: 14q24.3.
Variant type: single nucleotide variant.
Coding change: c.2563G>A on transcript NM_001040108.2 (MANE Select); coding-DNA position 2563, G replaced by A.
Protein change: p.Glu855Lys; replaces glutamic acid 855 with lysine.
Molecular consequence: missense variant.
Genome position (GRCh38, 1-based): chr14:75,047,093, C>T on the plus strand (G>A on the coding strand, the complement: MLH3 is on the minus strand). VCF-style: chr14-75047093-C-T. GRCh37 (hg19) VCF-style: chr14-75513796-C-T.
Other names: c.2563G>A, p.Glu855Lys (NM_014381.3); short protein forms E855K.
Identifiers: ClinVar variation 2561683 (VCV002561683.2), dbSNP rs2503266797, ClinGen allele CA390439866.

ClinVar aggregate classification (germline): Uncertain significance (1 of 4 stars; one submission).

Submission:

Ambry Genetics
Classification: Uncertain significance. Last evaluated: 2023-04-20. Review status: criteria provided, single submitter. Criteria: Ambry Variant Classification Scheme 2023. Collection method: clinical testing. Allele origin: germline.
Comment: The p.E855K variant (also known as c.2563G>A), located in coding exon 1 of the MLH3 gene, results from a G to A substitution at nucleotide position 2563. The glutamic acid at codon 855 is replaced by lysine, an amino acid with similar properties. This amino acid position is conserved. In addition, the in silico prediction for this alteration is inconclusive. Since supporting evidence is limited at this time, the clinical significance of this alteration remains unclear.